The following is an entry in ClinVar:

ClinVar aggregate classification (germline): Likely pathogenic (1 of 4 stars; one submission).

Conditions:
Charlevoix-Saguenay spastic ataxia (SACS). Also called: AUTOSOMAL RECESSIVE SPASTIC ATAXIA OF CHARLEVOIX-SAGUENAY; Spastic ataxia of Charlevoix-Saguenay; SPASTIC ATAXIA 6, AUTOSOMAL RECESSIVE. Identifiers: Orphanet 98, MedGen C1849140, MONDO:0010041, OMIM 270550.

Submission:

Natera, Inc.
Classification: Likely pathogenic for Charlevoix-Saguenay type spastic ataxia. Last evaluated: 2024-04-02. Review status: criteria provided, single submitter. Criteria: Natera Variant Classification Schema (03/2026). Collection method: clinical testing. Allele origin: germline.
Comment: The c.13556_13559delTGAC variant in SACS is a frameshift variant predicted to shift the reading frame beginning at codon 4519 and leads to a stop codon 12 codons downstream. This variant is expected to result in nonsense mediated decay, truncation, or a dysfunctional protein product. This variant is rare in the general population with a frequency below the threshold expected for the associated phenotype(s). Given the available evidence, this variant is classified as Likely Pathogenic.

NM_014363.6(SACS):c.13556_13559del (p.Leu4519fs)

Gene: SACS (sacsin molecular chaperone; minus strand). Cytogenetic location: 13q12.12.
Variant type: Deletion.
Coding change: c.13556_13559del on transcript NM_014363.6 (MANE Select); coding-DNA positions 13556 to 13559, 4 bases deleted (TGAC; older notation c.13556_13559delTGAC).
Protein change: p.Leu4519fs; shifts the reading frame from leucine 4519.
Molecular consequence: frameshift variant.
Genome position (GRCh38, 1-based): chr13:23,330,317-23,330,320, GTCA deleted on the plus strand (TGAC on the coding strand, the reverse complement: SACS is on the minus strand); deleting any 4 consecutive bases within chr13:23,330,317-23,330,323 gives the same sequence; the c. name uses the placement nearest the transcript's 3' end. VCF-style (leftmost placement, unchanged base first): chr13-23330316-TGTCA-T. GRCh37 (hg19) VCF-style: chr13-23904455-TGTCA-T.
Other names: c.13115_13118del, p.Leu4372fs (NM_001278055.2); c.13583_13586del, p.Leu4528fs (NM_001437336.1); short protein forms L4372fs, L4519fs, L4528fs.
Identifiers: ClinVar variation 4815685 (VCV004815685.1).
Genomic context (GRCh38, chr13:23,330,316, plus strand): 5'-ATCAGGGTATCTTGTTTTTAAACTGTCTACACCATAAGCTTCCAATGTGTGAACATCATT[TGTCA>T]GTCCTTCAAGTTGCTGACTATATTCCTCTATTTTCTGAGCAAGTGCAGTTGGTTTTACAT-3'